The following is an entry in ClinVar:

NM_032119.4(ADGRV1):c.12842C>G (p.Ala4281Gly)

Gene: ADGRV1 (adhesion G protein-coupled receptor V1; plus strand). Cytogenetic location: 5q14.3.
Variant type: single nucleotide variant.
Coding change: c.12842C>G on transcript NM_032119.4 (MANE Select); coding-DNA position 12842, C replaced by G.
Protein change: p.Ala4281Gly; replaces alanine 4281 with glycine.
Molecular consequence: missense variant. On other transcripts: non-coding transcript variant (1).
Genome position (GRCh38, 1-based): chr5:90,778,602, C>G. VCF-style: chr5-90778602-C-G. GRCh37 (hg19) VCF-style: chr5-90074419-C-G.
Other names: short protein forms A4281G.
Identifiers: ClinVar variation 4074561 (VCV004074561.1).

ClinVar aggregate classification (germline): Uncertain significance (1 of 4 stars; one submission).

gnomAD v4.1: 8 of 1,595,194 alleles (0.0005%); highest among the groups gnomAD compares: Non-Finnish European, 0.00068%; no homozygotes.

Submission:

GeneDx
Classification: Uncertain significance. Last evaluated: 2025-02-06. Review status: criteria provided, single submitter. Criteria: GeneDx Variant Classification Process June 2021. Collection method: clinical testing. Allele origin: germline. Affected: yes.
Comment: Not observed at significant frequency in large population cohorts (gnomAD); In silico analysis indicates that this missense variant does not alter protein structure/function; Has not been previously published as pathogenic or benign to our knowledge